The following is an entry in ClinVar:

ClinVar aggregate classification (germline): Conflicting classifications of pathogenicity. Review status: criteria provided, conflicting classifications (1 of 4 stars). 2 submissions from 2 submitters: Uncertain significance (1); Likely benign (1). Last evaluated 2025-12-08.

Conditions:
STIM1-related disorder. Also called: STIM1-related condition.

Allele frequency attached by ClinVar (database versions not stated): gnomAD exomes 0.00001 and 0.00008; gnomAD 0.00004 and 0.00005; ExAC 0.00005; TOPMed 0.00005; 1000 Genomes Project 30x 0.00016; 1000 Genomes Project 0.00020.
gnomAD v4.1: 55 of 1,614,016 alleles (0.0034%); highest among the groups gnomAD compares: East Asian, 0.051%; no homozygotes.

Submissions (2):

PreventionGenetics, part of Exact Sciences
Classification: Likely benign for STIM1-related condition. Last evaluated: 2025-12-08. Review status: criteria provided, single submitter. Criteria: ACMG Guidelines, 2015. Collection method: clinical testing. Allele origin: germline.
Comment: This variant is classified as likely benign based on ACMG/AMP sequence variant interpretation guidelines (Richards et al. 2015 PMID: 25741868, with internal and published modifications).

Blueprint Genetics
Classification: Uncertain significance. Last evaluated: 2024-10-09. Review status: criteria provided, single submitter. Criteria: ACMG Guidelines, 2015. Collection method: clinical testing. Allele origin: germline.

NM_001382567.1(STIM1):c.-7T>G

Genes: STIM1 (stromal interaction molecule 1; plus strand), LOC130005165 (ATAC-STARR-seq lymphoblastoid active region 4312; plus strand). Cytogenetic location: 11p15.4.
Variant type: single nucleotide variant.
Coding change: c.-7T>G on transcript NM_001382567.1 (MANE Select); 7 bases upstream of the start codon, T replaced by G.
Molecular consequence: 5 prime UTR variant. On other transcripts: non-coding transcript variant (3), intron variant (10).
Genome position (GRCh38, 1-based): chr11:3,856,264, T>G. VCF-style: chr11-3856264-T-G. GRCh37 (hg19) VCF-style: chr11-3877494-T-G.
Other names: c.-7T>G (NM_001277961.3, NM_001277962.2, NM_001382568.1 and 3 more transcripts); c.-11T>G (NM_001382569.1); c.-244T>G (NM_001382571.1); c.-84+1528T>G (NM_001382578.1, NM_001382575.1, NM_001382574.1); c.-220+1528T>G (NM_001382580.1, NM_001382581.1); c.-84+1610T>G (NM_001382576.1); c.-84+848T>G (NM_001382566.1, NM_001382579.1, NM_001382577.1 and 1 more transcripts).
Identifiers: ClinVar variation 636567 (VCV000636567.3), dbSNP rs201794614, ClinGen allele CA5830101.